The following is an entry in ClinVar:

ClinVar aggregate classification (germline): Conflicting classifications of pathogenicity. Review status: criteria provided, conflicting classifications (1 of 4 stars). 4 submissions from 4 submitters: Uncertain significance (3); Likely benign (1). Last evaluated 2025-10-06.

Conditions:
Hereditary cancer-predisposing syndrome. Also called: Hereditary neoplastic syndrome; Tumor predisposition; Hereditary Cancer Syndrome; Neoplastic Syndromes, Hereditary. Identifiers: Orphanet 140162, MedGen C0027672, MeSH D009386, MONDO:0015356.
Hereditary breast ovarian cancer syndrome. Also called: Hereditary breast and/or ovarian cancer syndrome; BRCA1- and BRCA2-Associated Hereditary Breast and Ovarian Cancer; Breast and ovarian cancer; Hereditary breast and ovarian cancer; Hereditary breast and ovarian cancer syndrome; Hereditary breast and ovarian cancer syndrome (HBOC). Identifiers: Orphanet 145, MedGen C0677776, MeSH D061325, MONDO:0003582. Disease mechanism: loss of function.

Submissions (4):

Ambry Genetics
Classification: Uncertain significance for Hereditary cancer-predisposing syndrome. Last evaluated: 2025-10-06. Review status: criteria provided, single submitter. Criteria: Ambry Variant Classification Scheme 2023. Collection method: clinical testing. Allele origin: germline.
Comment: The p.E1912K variant (also known as c.5734G>A), located in coding exon 10 of the BRCA2 gene, results from a G to A substitution at nucleotide position 5734. The glutamic acid at codon 1912 is replaced by lysine, an amino acid with similar properties. This amino acid position is not well conserved in available vertebrate species. In addition, the in silico prediction for this alteration is inconclusive. Based on the available evidence, the clinical significance of this variant remains unclear.

Labcorp Genetics (formerly Invitae), Labcorp
Classification: Uncertain significance for Hereditary breast ovarian cancer syndrome. Last evaluated: 2024-03-21. Review status: criteria provided, single submitter. Criteria: Invitae Variant Classification Sherloc (09022015). Collection method: clinical testing. Allele origin: germline.
Comment: This sequence change replaces glutamic acid, which is acidic and polar, with lysine, which is basic and polar, at codon 1912 of the BRCA2 protein (p.Glu1912Lys). This variant is not present in population databases (gnomAD no frequency). This variant has not been reported in the literature in individuals affected with BRCA2-related conditions. ClinVar contains an entry for this variant (Variation ID: 495474). Advanced modeling of protein sequence and biophysical properties (such as structural, functional, and spatial information, amino acid conservation, physicochemical variation, residue mobility, and thermodynamic stability) performed at Invitae indicates that this missense variant is not expected to disrupt BRCA2 protein function with a negative predictive value of 95%. In summary, the available evidence is currently insufficient to determine the role of this variant in disease. Therefore, it has been classified as a Variant of Uncertain Significance.

University of Washington Department of Laboratory Medicine, University of Washington
Classification: Likely benign for Hereditary cancer-predisposing syndrome. Last evaluated: 2023-03-23. Review status: criteria provided, single submitter. Criteria: Dines et al. (Genet Med. 2020). Collection method: curation. Allele origin: germline.
Comment: Missense variant in a coldspot region where missense variants are very unlikely to be pathogenic (PMID:31911673).

BRCA2 exon 11 coldspot. Reclassification based on statistical prior probability.

Women's Health and Genetics/Laboratory Corporation of America, LabCorp
Classification: Uncertain significance. Last evaluated: 2017-04-07. Review status: criteria provided, single submitter. Criteria: LabCorp Variant Classification Summary - May 2015. Collection method: clinical testing. Allele origin: germline.
Comment: Variant summary: The BRCA2 c.5734G>A (p.Glu1912Lys) variant causes a missense change involving the alteration of a conserved nucleotide. 4/5 in silico tools predict a benign outcome for this variant. This variant is absent in 120994 control chromosomes. The variant of interest has not, to our knowledge, been reported in affected individuals via publications nor evaluated for functional impact by in vivo/vitro studies. One reputable database has classified this variant as a VUS. Because of the absence of clinical information and the lack of functional studies, the variant is classified as a variant of uncertain significance (VUS) until additional information becomes available.

NM_000059.4(BRCA2):c.5734G>A (p.Glu1912Lys)

Gene: BRCA2 (BRCA2 DNA repair associated; plus strand). Cytogenetic location: 13q13.1.
Variant type: single nucleotide variant.
Coding change: c.5734G>A on transcript NM_000059.4 (MANE Select); coding-DNA position 5734, G replaced by A.
Protein change: p.Glu1912Lys; replaces glutamic acid 1912 with lysine.
Molecular consequence: missense variant.
Genome position (GRCh38, 1-based): chr13:32,340,089, G>A. VCF-style: chr13-32340089-G-A. GRCh37 (hg19) VCF-style: chr13-32914226-G-A.
Other names: short protein forms E1912K.
Identifiers: ClinVar variation 495474 (VCV000495474.9), dbSNP rs397507800, ClinGen allele CA387786929.